The following is an entry in ClinVar:

NM_012434.5(SLC17A5):c.1007_1008del (p.Leu336fs)

Gene: SLC17A5 (solute carrier family 17 member 5; minus strand). Cytogenetic location: 6q13.
Variant type: Deletion.
Coding change: c.1007_1008del on transcript NM_012434.5 (MANE Select); coding-DNA positions 1007 to 1008, 2 bases deleted (TA; older notation c.1007_1008delTA).
Protein change: p.Leu336fs; shifts the reading frame from leucine 336.
Molecular consequence: frameshift variant.
Genome position (GRCh38, 1-based): chr6:73,615,418-73,615,419, TA deleted on the plus strand (TA on the coding strand, the reverse complement: SLC17A5 is on the minus strand). VCF-style (leftmost placement, unchanged base first): chr6-73615417-CTA-C. GRCh37 (hg19) VCF-style: chr6-74325140-CTA-C.
Other names: short protein forms L336fs.
Identifiers: ClinVar variation 56551 (VCV000056551.7), dbSNP rs386833987, ClinGen allele CA263919.
Genomic context (GRCh38, chr6:73,615,417, plus strand): 5'-TCCATTTTGCCCTTAAATTGTCAGCAGCTTGACCAGACAGGATCATACATAACCAAGAGC[CTA>C]AATAAGGCAATGAAGATAAAAACCCATTCTGGAAGGAATAAGAAGATACAGGATTAATTA-3'

ClinVar aggregate classification (germline): Pathogenic. Review status: criteria provided, single submitter (1 of 4 stars). 3 submissions from 3 submitters: Pathogenic (1). 2 of the submissions do not count toward it. Last evaluated 2023-01-14.

Conditions:
Salla disease (SD). Also called: Less Severe FSASD (Salla Disease); Sialuria, Finnish type; N-acetylneuraminic acid (NANA) storage disease (NSD); Infantile sialic acid storage disorder (ISSD). Identifiers: Orphanet 309334, Orphanet 834, MedGen C1096903, MONDO:0011449, OMIM 604369.

Allele frequency attached by ClinVar (database versions not stated): gnomAD exomes 0.00001; gnomAD 0.00001.

Submissions (3):

Labcorp Genetics (formerly Invitae), Labcorp
Classification: Pathogenic for Salla disease. Last evaluated: 2023-01-14. Review status: criteria provided, single submitter. Criteria: Invitae Variant Classification Sherloc (09022015). Collection method: clinical testing. Allele origin: germline.
Comment: For these reasons, this variant has been classified as Pathogenic. Algorithms developed to predict the effect of sequence changes on RNA splicing suggest that this variant may disrupt the consensus splice site. This sequence change creates a premature translational stop signal (p.Leu336Trpfs*14) in the SLC17A5 gene. It is expected to result in an absent or disrupted protein product. Loss-of-function variants in SLC17A5 are known to be pathogenic (PMID: 10581036, 10947946, 15172001). ClinVar contains an entry for this variant (Variation ID: 56551). This premature translational stop signal has been observed in individual(s) with SLC17A5-related conditions (PMID: 10947946). This variant is present in population databases (rs386833987, gnomAD 0.007%).

Counsyl
Classification: Pathogenic for Salla disease. Last evaluated: 2016-10-05. Review status: no assertion criteria provided. Collection method: clinical testing. Allele origin: unknown. Not counted in ClinVar's aggregate classification.

Juha Muilu Group; Institute for Molecular Medicine Finland (FIMM)
Classification: Likely pathogenic for Salla disease. Review status: no assertion criteria provided. Collection method: not provided. Allele origin: unknown. Not counted in ClinVar's aggregate classification.
Comment: FinDis database variant: This variant was not found or characterized by our laboratory, data were collected from public sources: see reference
ClinVar note: Converted during submission from probable-pathogenic to Likely pathogenic.

Literature cited by the submitters: PubMed 10581036 (cited by Labcorp Genetics (formerly Invitae), Labcorp); PubMed 10947946 (cited by Labcorp Genetics (formerly Invitae), Labcorp and Counsyl); PubMed 15172001 (cited by Labcorp Genetics (formerly Invitae), Labcorp).